The following is an entry in ClinVar:

NM_000059.4(BRCA2):c.7007+4A>G

Gene: BRCA2 (BRCA2 DNA repair associated; plus strand). Cytogenetic location: 13q13.1.
Variant type: single nucleotide variant.
Coding change: c.7007+4A>G on transcript NM_000059.4 (MANE Select); 4 bases into the intron after coding-DNA position 7007, A replaced by G.
Molecular consequence: intron variant.
Genome position (GRCh38, 1-based): chr13:32,346,900, A>G. VCF-style: chr13-32346900-A-G. GRCh37 (hg19) VCF-style: chr13-32921037-A-G.
Identifiers: ClinVar variation 234756 (VCV000234756.28), dbSNP rs876661201, ClinGen allele CA10577487.

ClinVar aggregate classification (germline): Uncertain significance. Review status: criteria provided, multiple submitters, no conflicts (2 of 4 stars). 7 submissions from 7 submitters: Uncertain significance (6). 1 of the submissions does not count toward it. Last evaluated 2025-10-23.

Conditions:
Hereditary cancer-predisposing syndrome. Also called: Tumor predisposition; Hereditary Cancer Syndrome; Hereditary neoplastic syndrome; Neoplastic Syndromes, Hereditary. Identifiers: Orphanet 140162, MedGen C0027672, MeSH D009386, MONDO:0015356.
Hereditary breast ovarian cancer syndrome. Also called: Hereditary breast and ovarian cancer; Breast and ovarian cancer; BRCA1- and BRCA2-Associated Hereditary Breast and Ovarian Cancer; Hereditary breast and ovarian cancer syndrome; Hereditary breast and ovarian cancer syndrome (HBOC); Hereditary breast and/or ovarian cancer syndrome. Identifiers: Orphanet 145, MedGen C0677776, MeSH D061325, MONDO:0003582. Disease mechanism: loss of function.
Breast-ovarian cancer, familial, susceptibility to, 2 (BROVCA2). Also called: BRCA2 Hereditary Breast and Ovarian Cancer. Identifiers: Orphanet 145, MedGen C2675520, MONDO:0012933, OMIM 612555. Disease mechanism: loss of function.

Allele frequency attached by ClinVar (database versions not stated): TOPMed below 0.00001.

Submissions (7):

Labcorp Genetics (formerly Invitae), Labcorp
Classification: Uncertain significance for Hereditary breast ovarian cancer syndrome. Last evaluated: 2025-10-23. Review status: criteria provided, single submitter. Criteria: Invitae Variant Classification Sherloc (09022015). Collection method: clinical testing. Allele origin: germline.
Comment: This sequence change falls in intron 13 of the BRCA2 gene. It does not directly change the encoded amino acid sequence of the BRCA2 protein. It affects a nucleotide within the consensus splice site. This variant is not present in population databases (gnomAD no frequency). This variant has been observed in individual(s) with hereditary breast cancer (PMID: 20104584, 29446198). ClinVar contains an entry for this variant (Variation ID: 234756). Algorithms developed to predict the effect of variants on gene product structure and function are not available or were not evaluated for this variant. Experimental studies have shown that this variant affects BRCA2 function (PMID: 37713444). Variants that disrupt the consensus splice site are a relatively common cause of aberrant splicing (PMID: 17576681, 9536098). Studies have shown that this variant is associated with inconclusive levels of altered splicing (internal data). In summary, the available evidence is currently insufficient to determine the role of this variant in disease. Therefore, it has been classified as a Variant of Uncertain Significance.

Ambry Genetics
Classification: Uncertain significance for Hereditary cancer-predisposing syndrome. Last evaluated: 2025-10-20. Review status: criteria provided, single submitter. Criteria: Ambry Variant Classification Scheme 2023. Collection method: clinical testing. Allele origin: germline.
Comment: The c.7007+4A>G intronic variant results from an A to G substitution 4 nucleotides after coding exon 12 in the BRCA2 gene. This variant has been identified in conjunction with pathogenic BRCA2 variants in multiple individuals with no reported features of Fanconi anemia (Ambry internal data). This nucleotide position is highly conserved in available vertebrate species. In silico splice site analysis predicts that this alteration will not have any significant effect on splicing. RNA studies have demonstrated that this alteration results in a splice defect; the clinical impact of this abnormal splicing is unknown at this time (Ambry internal data). Based on the available evidence, the clinical significance of this variant remains unclear.

Molecular Pathology, Peter Maccallum Cancer Centre
Classification: Uncertain significance for Breast-ovarian cancer, familial, susceptibility to, 2. Last evaluated: 2025-05-20. Review status: criteria provided, single submitter. Criteria: ACMG Guidelines, 2015. Collection method: clinical testing. Allele origin: germline. Inheritance: Autosomal dominant inheritance.

Color Diagnostics, LLC DBA Color Health
Classification: Uncertain significance for Hereditary cancer-predisposing syndrome. Last evaluated: 2024-05-23. Review status: criteria provided, single submitter. Criteria: ACMG Guidelines, 2015. Collection method: clinical testing. Allele origin: germline.
Comment: This variant causes an A to G nucleotide substitution at the +4 position of intron 13 of the BRCA2 gene. A functional study in mouse embryonic stem cells has shown this variant reduces cell viability and increases sensitivity to DNA-damaging agents (PMID: 37713444). This variant has been reported in individuals affected with breast cancer (PMID: 29446198) and in two families among the CIMBA participants (PMID: 29446198). This variant has been reported in a multifactorial analysis with segregation, and tumor pathology likelihood ratios for pathogenicity of 0.9994 and 1.07, respectively (PMID: 31131967). This variant has not been identified in the general population by the Genome Aggregation Database (gnomAD). The available evidence is insufficient to determine the role of this variant in disease conclusively. Therefore, this variant is classified as a Variant of Uncertain Significance.

GeneDx
Classification: Uncertain significance. Last evaluated: 2023-11-15. Review status: criteria provided, single submitter. Criteria: GeneDx Variant Classification Process June 2021. Collection method: clinical testing. Allele origin: germline. Affected: yes.
Comment: In silico analysis supports that this variant does not alter splicing; Not observed at significant frequency in large population cohorts (gnomAD); Also known as 7235+4A>G; This variant is associated with the following publications: (PMID: 20104584, 29446198, 31131967)

Quest Diagnostics Nichols Institute San Juan Capistrano
Classification: Uncertain significance. Last evaluated: 2018-12-05. Review status: criteria provided, single submitter. Criteria: Quest Diagnostics criteria. Collection method: clinical testing. Allele origin: germline.

Consortium of Investigators of Modifiers of BRCA1/2 (CIMBA), c/o University of Cambridge
Classification: Pathogenic for Breast-ovarian cancer, familial, susceptibility to, 2. Last evaluated: 2015-10-02. Review status: flagged submission. Criteria: CIMBA Mutation Classification guidelines May 2016. Collection method: clinical testing. Allele origin: germline. Not counted in ClinVar's aggregate classification.
ClinVar note: Reason: Outlier claim with insufficient supporting evidence

Literature cited by the submitters: PubMed 20104584 (cited by 3 submitters); PubMed 29446198 (cited by 4 submitters); PubMed 37713444 (cited by Labcorp Genetics (formerly Invitae), Labcorp and Color Diagnostics, LLC DBA Color Health); PubMed 17576681 (cited by Labcorp Genetics (formerly Invitae), Labcorp); PubMed 9536098 (cited by Labcorp Genetics (formerly Invitae), Labcorp); PubMed 31131967 (cited by Color Diagnostics, LLC DBA Color Health).